The following is an entry in ClinVar:

NM_145200.5(CABP4):c.611A>G (p.His204Arg)

Gene: CABP4 (calcium binding protein 4; plus strand). Cytogenetic location: 11q13.2.
Variant type: single nucleotide variant.
Coding change: c.611A>G on transcript NM_145200.5 (MANE Select); coding-DNA position 611, A replaced by G.
Protein change: p.His204Arg; replaces histidine 204 with arginine.
Molecular consequence: missense variant. On other transcripts: non-coding transcript variant (1).
Genome position (GRCh38, 1-based): chr11:67,457,642, A>G. VCF-style: chr11-67457642-A-G. GRCh37 (hg19) VCF-style: chr11-67225113-A-G.
Other names: c.296A>G, p.His99Arg (NM_001300895.3, NM_001300896.3, NM_001379183.1); short protein forms H99R, H204R.
Identifiers: ClinVar variation 956995 (VCV000956995.5), dbSNP rs1225710258, ClinGen allele CA381531595.
Genomic context (GRCh38, chr11:67,457,642, plus strand): 5'-GTGTGGACTTTGAGGAGTTTGTAGAACTGATAGGCCCAAAGCTGAGGGAGGAGACGGCGC[A>G]CATGCTGGGGGTGCGAGAGCTGCGCATCGCCTTCCGAGAGGTGCGGAGTGTGGTGAGGTG-3'
Protein context (NP_660201.1, residues 194-214): IGPKLREETA[His204Arg]MLGVRELRIA

ClinVar aggregate classification (germline): Uncertain significance (1 of 4 stars; one submission).

Allele frequency attached by ClinVar (database versions not stated): gnomAD exomes 0.00001; gnomAD 0.00003 and 0.00004; TOPMed 0.00005.

Submission:

Labcorp Genetics (formerly Invitae), Labcorp
Classification: Uncertain significance. Last evaluated: 2023-08-17. Review status: criteria provided, single submitter. Criteria: Invitae Variant Classification Sherloc (09022015). Collection method: clinical testing. Allele origin: germline.
Comment: In summary, the available evidence is currently insufficient to determine the role of this variant in disease. Therefore, it has been classified as a Variant of Uncertain Significance. An algorithm developed to predict the effect of missense changes on protein structure and function (PolyPhen-2) suggests that this variant is likely to be disruptive. ClinVar contains an entry for this variant (Variation ID: 956995). This variant has not been reported in the literature in individuals affected with CABP4-related conditions. The frequency data for this variant in the population databases is considered unreliable, as metrics indicate poor data quality at this position in the gnomAD database. This sequence change replaces histidine, which is basic and polar, with arginine, which is basic and polar, at codon 204 of the CABP4 protein (p.His204Arg).